The following is an entry in ClinVar:

NM_006086.4(TUBB3):c.9G>C (p.Glu3Asp)

Genes: TUBB3 (tubulin beta 3 class III; plus strand), LOC130059847 (ATAC-STARR-seq lymphoblastoid silent region 7932; plus strand). Cytogenetic location: 16q24.3.
Variant type: single nucleotide variant.
Coding change: c.9G>C on transcript NM_006086.4 (MANE Select); coding-DNA position 9, G replaced by C.
Protein change: p.Glu3Asp; replaces glutamic acid 3 with aspartic acid.
Molecular consequence: missense variant. On other transcripts: intron variant (1).
Genome position (GRCh38, 1-based): chr16:89,923,410, G>C. VCF-style: chr16-89923410-G-C. GRCh37 (hg19) VCF-style: chr16-89989818-G-C.
Other names: c.-160+1165G>C (NM_001197181.2); short protein forms E3D.
Identifiers: ClinVar variation 1311668 (VCV001311668.2), dbSNP rs2144399229, ClinGen allele CA397466801.

ClinVar aggregate classification (germline): Uncertain significance (1 of 4 stars; one submission).

Submission:

GeneDx
Classification: Uncertain significance. Last evaluated: 2020-01-17. Review status: criteria provided, single submitter. Criteria: GeneDx Variant Classification Process June 2021. Collection method: clinical testing. Allele origin: germline. Affected: yes.
Comment: Not observed in large population cohorts (Lek et al., 2016); The majority of missense variants in this gene are considered pathogenic (Stenson et al., 2014); In silico analysis, which includes protein predictors and evolutionary conservation, supports that this variant does not alter protein structure/function; Has not been previously published as pathogenic or benign to our knowledge